The following is an entry in ClinVar:

NM_020340.5(ARFGEF3):c.5279G>C (p.Arg1760Thr)

Gene: ARFGEF3 (ARFGEF family member 3; plus strand). Cytogenetic location: 6q24.1.
Variant type: single nucleotide variant.
Coding change: c.5279G>C on transcript NM_020340.5 (MANE Select); coding-DNA position 5279, G replaced by C.
Protein change: p.Arg1760Thr; replaces arginine 1760 with threonine.
Molecular consequence: missense variant.
Genome position (GRCh38, 1-based): chr6:138,334,125, G>C. VCF-style: chr6-138334125-G-C. GRCh37 (hg19) VCF-style: chr6-138655262-G-C.
Other names: short protein forms R1760T.
Identifiers: ClinVar variation 3035392 (VCV003035392.2), dbSNP rs143963437, ClinGen allele CA4021573.

ClinVar aggregate classification (germline): Benign (0 of 4 stars; one submission).

Conditions:
ARFGEF3-related disorder. Also called: ARFGEF3-related condition.

Allele frequency attached by ClinVar (database versions not stated): TOPMed 0.00050; gnomAD 0.00057; ExAC 0.00058; ESP Exome Variant Server 0.00085.
gnomAD v4.1: 697 of 1,613,820 alleles (0.043%); highest among the groups gnomAD compares: Non-Finnish European, 0.0077%; 6 homozygotes.

Submission:

PreventionGenetics, part of Exact Sciences
Classification: Benign for ARFGEF3-related condition. Last evaluated: 2019-08-01. Review status: no assertion criteria provided. Collection method: clinical testing. Allele origin: germline.
Comment: This variant is classified as benign based on ACMG/AMP sequence variant interpretation guidelines (Richards et al. 2015 PMID: 25741868, with internal and published modifications).